The following is an entry in ClinVar:

ClinVar aggregate classification (germline): Uncertain significance. Review status: criteria provided, multiple submitters, no conflicts (2 of 4 stars). 3 submissions from 3 submitters: Uncertain significance (3). Last evaluated 2025-06-30.

Conditions:
Inborn genetic diseases. Identifiers: MedGen C0950123, MeSH D030342.

Allele frequency attached by ClinVar (database versions not stated): gnomAD 0.00001; gnomAD exomes 0.00001; TOPMed 0.00001.
gnomAD v4.1: 13 of 1,613,632 alleles (0.00081%); highest among the groups gnomAD compares: African/African-American, 0.0027%; no homozygotes.

Submissions (3):

Ambry Genetics
Classification: Uncertain significance for Inborn genetic diseases. Last evaluated: 2025-06-30. Review status: criteria provided, single submitter. Criteria: Ambry Variant Classification Scheme 2023. Collection method: clinical testing. Allele origin: germline.

Labcorp Genetics (formerly Invitae), Labcorp
Classification: Uncertain significance. Last evaluated: 2022-08-09. Review status: criteria provided, single submitter. Criteria: Invitae Variant Classification Sherloc (09022015). Collection method: clinical testing. Allele origin: germline.
Comment: This sequence change replaces arginine, which is basic and polar, with glutamine, which is neutral and polar, at codon 403 of the FKBP10 protein (p.Arg403Gln). This variant is not present in population databases (gnomAD no frequency). This variant has not been reported in the literature in individuals affected with FKBP10-related conditions. ClinVar contains an entry for this variant (Variation ID: 284372). Algorithms developed to predict the effect of missense changes on protein structure and function (SIFT, PolyPhen-2, Align-GVGD) all suggest that this variant is likely to be tolerated. In summary, the available evidence is currently insufficient to determine the role of this variant in disease. Therefore, it has been classified as a Variant of Uncertain Significance.

Eurofins Ntd Llc (ga)
Classification: Uncertain significance. Last evaluated: 2015-11-09. Review status: criteria provided, single submitter. Criteria: EGL Classification Definitions 2015. Collection method: clinical testing. Allele origin: germline. Observed: 1 variant allele, 1 heterozygote.

NM_021939.4(FKBP10):c.1208G>A (p.Arg403Gln)

Gene: FKBP10 (FKBP prolyl isomerase 10; plus strand). Cytogenetic location: 17q21.2.
Variant type: single nucleotide variant.
Coding change: c.1208G>A on transcript NM_021939.4 (MANE Select); coding-DNA position 1208, G replaced by A.
Protein change: p.Arg403Gln; replaces arginine 403 with glutamine.
Molecular consequence: missense variant.
Genome position (GRCh38, 1-based): chr17:41,820,413, G>A. VCF-style: chr17-41820413-G-A. GRCh37 (hg19) VCF-style: chr17-39976665-G-A.
Other names: c.1208G>A (NM_021939.3); short protein forms R403Q.
Identifiers: ClinVar variation 284372 (VCV000284372.7), dbSNP rs886044826, ClinGen allele CA10604773.